The following is an entry in ClinVar:

ClinVar aggregate classification (germline): Uncertain significance. Review status: criteria provided, multiple submitters, no conflicts (2 of 4 stars). 3 submissions from 3 submitters: Uncertain significance (3). Last evaluated 2024-01-15.

Conditions:
Inborn genetic diseases. Identifiers: MedGen C0950123, MeSH D030342.
Inherited glutathione synthetase deficiency. Identifiers: Orphanet 32, MedGen C5979912, MONDO:0017909.

Allele frequency attached by ClinVar (database versions not stated): ExAC 0.00001; gnomAD exomes 0.00001; TOPMed 0.00002; 1000 Genomes Project 30x 0.00016; 1000 Genomes Project 0.00020.
gnomAD v4.1: 35 of 1,613,914 alleles (0.0022%); highest among the groups gnomAD compares: Admixed American, 0.01%; no homozygotes.

Submissions (3):

Revvity Omics, Revvity
Classification: Uncertain significance. Last evaluated: 2024-01-15. Review status: criteria provided, single submitter. Criteria: ACMG Guidelines, 2015. Collection method: clinical testing. Allele origin: germline.

Ambry Genetics
Classification: Uncertain significance for Inborn genetic diseases. Last evaluated: 2023-11-14. Review status: criteria provided, single submitter. Criteria: Ambry Variant Classification Scheme 2023. Collection method: clinical testing. Allele origin: germline.

Labcorp Genetics (formerly Invitae), Labcorp
Classification: Uncertain significance for Glutathione synthetase deficiency with 5-oxoprolinuria. Last evaluated: 2022-06-20. Review status: criteria provided, single submitter. Criteria: Invitae Variant Classification Sherloc (09022015). Collection method: clinical testing. Allele origin: germline.
Comment: This sequence change replaces arginine, which is basic and polar, with cysteine, which is neutral and slightly polar, at codon 132 of the GSS protein (p.Arg132Cys). This variant is present in population databases (rs202195412, gnomAD 0.004%). This variant has not been reported in the literature in individuals affected with GSS-related conditions. ClinVar contains an entry for this variant (Variation ID: 938536). Algorithms developed to predict the effect of missense changes on protein structure and function output the following: SIFT: "Tolerated"; PolyPhen-2: "Benign"; Align-GVGD: "Class C0". The cysteine amino acid residue is found in multiple mammalian species, which suggests that this missense change does not adversely affect protein function. In summary, the available evidence is currently insufficient to determine the role of this variant in disease. Therefore, it has been classified as a Variant of Uncertain Significance.

NM_000178.4(GSS):c.394C>T (p.Arg132Cys)

Gene: GSS (glutathione synthetase; minus strand). Cytogenetic location: 20q11.22.
Variant type: single nucleotide variant.
Coding change: c.394C>T on transcript NM_000178.4 (MANE Select); coding-DNA position 394, C replaced by T.
Protein change: p.Arg132Cys; replaces arginine 132 with cysteine.
Molecular consequence: missense variant.
Genome position (GRCh38, 1-based): chr20:34,942,585, G>A on the plus strand (C>T on the coding strand, the complement: GSS is on the minus strand). VCF-style: chr20-34942585-G-A. GRCh37 (hg19) VCF-style: chr20-33530388-G-A.
Other names: c.394C>T, p.Arg132Cys (NM_001322494.1, NM_001322495.1); short protein forms R132C.
Identifiers: ClinVar variation 938536 (VCV000938536.10), dbSNP rs202195412, ClinGen allele CA9826090.